The following is an entry in ClinVar:

ClinVar aggregate classification (germline): Uncertain significance (1 of 4 stars; one submission).

gnomAD v4.1: 2 of 1,613,608 alleles (0.00012%); highest among the groups gnomAD compares: Admixed American, 0.0033%; no homozygotes.

Submission:

Labcorp Genetics (formerly Invitae), Labcorp
Classification: Uncertain significance. Last evaluated: 2023-08-27. Review status: criteria provided, single submitter. Criteria: Invitae Variant Classification Sherloc (09022015). Collection method: clinical testing. Allele origin: germline.
Comment: This sequence change replaces alanine, which is neutral and non-polar, with serine, which is neutral and polar, at codon 652 of the CACNA1B protein (p.Ala652Ser). This variant is present in population databases (no rsID available, gnomAD 0.006%). This variant has not been reported in the literature in individuals affected with CACNA1B-related conditions. Advanced modeling of protein sequence and biophysical properties (such as structural, functional, and spatial information, amino acid conservation, physicochemical variation, residue mobility, and thermodynamic stability) has been performed at Invitae for this missense variant, however the output from this modeling did not meet the statistical confidence thresholds required to predict the impact of this variant on CACNA1B protein function. In summary, the available evidence is currently insufficient to determine the role of this variant in disease. Therefore, it has been classified as a Variant of Uncertain Significance.

NM_000718.4(CACNA1B):c.1954G>T (p.Ala652Ser)

Gene: CACNA1B (calcium voltage-gated channel subunit alpha1 B; plus strand). Cytogenetic location: 9q34.3.
Variant type: single nucleotide variant.
Coding change: c.1954G>T on transcript NM_000718.4 (MANE Select); coding-DNA position 1954, G replaced by T.
Protein change: p.Ala652Ser; replaces alanine 652 with serine.
Molecular consequence: missense variant.
Genome position (GRCh38, 1-based): chr9:137,986,834, G>T. VCF-style: chr9-137986834-G-T. GRCh37 (hg19) VCF-style: chr9-140881286-G-T.
Other names: c.1954G>T, p.Ala652Ser (NM_001243812.2); short protein forms A652S.
Identifiers: ClinVar variation 2786404 (VCV002786404.3), dbSNP rs1388182078, ClinGen allele CA375808279.
Genomic context (GRCh38, chr9:137,986,834, plus strand): 5'-TTCCTCAGGTTCAACTTCCAGGATGAGACTCCCACAACCAACTTCGACACCTTCCCTGCC[G>T]CCATCCTCACTGTCTTCCAGGTAAGGCACCTGCTCTGCACATTTGCGGCCTGCCCGGCTC-3'
Protein context (NP_000709.1, residues 642-662): PTTNFDTFPA[Ala652Ser]ILTVFQILTG